The following is an entry in ClinVar:

ClinVar aggregate classification (germline): Uncertain significance (1 of 4 stars; one submission).

Conditions:
Charcot-Marie-Tooth disease type 4. Also called: Charcot-Marie-Tooth disease, type IV; Charcot-Marie-Tooth, Type 4. Identifiers: Orphanet 64749, MedGen C4082197, MONDO:0018995.

Submission:

Labcorp Genetics (formerly Invitae), Labcorp
Classification: Uncertain significance for Charcot-Marie-Tooth disease type 4. Last evaluated: 2024-10-16. Review status: criteria provided, single submitter. Criteria: Invitae Variant Classification Sherloc (09022015). Collection method: clinical testing. Allele origin: germline.
Comment: This sequence change replaces tyrosine, which is neutral and polar, with cysteine, which is neutral and slightly polar, at codon 906 of the SH3TC2 protein (p.Tyr906Cys). This variant is not present in population databases (gnomAD no frequency). This variant has not been reported in the literature in individuals affected with SH3TC2-related conditions. ClinVar contains an entry for this variant (Variation ID: 1966765). Invitae Evidence Modeling of protein sequence and biophysical properties (such as structural, functional, and spatial information, amino acid conservation, physicochemical variation, residue mobility, and thermodynamic stability) indicates that this missense variant is not expected to disrupt SH3TC2 protein function with a negative predictive value of 95%. In summary, the available evidence is currently insufficient to determine the role of this variant in disease. Therefore, it has been classified as a Variant of Uncertain Significance.

NM_024577.4(SH3TC2):c.2717A>G (p.Tyr906Cys)

Gene: SH3TC2 (SH3 domain and tetratricopeptide repeats 2; minus strand). Cytogenetic location: 5q32.
Variant type: single nucleotide variant.
Coding change: c.2717A>G on transcript NM_024577.4 (MANE Select); coding-DNA position 2717, A replaced by G.
Protein change: p.Tyr906Cys; replaces tyrosine 906 with cysteine.
Molecular consequence: missense variant.
Genome position (GRCh38, 1-based): chr5:149,027,015, T>C on the plus strand (A>G on the coding strand, the complement: SH3TC2 is on the minus strand). VCF-style: chr5-149027015-T-C. GRCh37 (hg19) VCF-style: chr5-148406578-T-C.
Other names: short protein forms Y906C.
Identifiers: ClinVar variation 1966765 (VCV001966765.5), dbSNP rs1387259611, ClinGen allele CA361665787.